The following is an entry in ClinVar:

NM_001854.4(COL11A1):c.698A>G (p.Tyr233Cys)

Gene: COL11A1 (collagen type XI alpha 1 chain; minus strand). Cytogenetic location: 1p21.1.
Variant type: single nucleotide variant.
Coding change: c.698A>G on transcript NM_001854.4 (MANE Select); coding-DNA position 698, A replaced by G.
Protein change: p.Tyr233Cys; replaces tyrosine 233 with cysteine.
Molecular consequence: missense variant. On other transcripts: non-coding transcript variant (1).
Genome position (GRCh38, 1-based): chr1:103,031,198, T>C on the plus strand (A>G on the coding strand, the complement: COL11A1 is on the minus strand). VCF-style: chr1-103031198-T-C. GRCh37 (hg19) VCF-style: chr1-103496754-T-C.
Other names: c.698A>G, p.Tyr233Cys (NM_001190709.2, NM_080629.3, NM_080630.4); short protein forms Y233C.
Identifiers: ClinVar variation 291544 (VCV000291544.24), dbSNP rs141304474, ClinGen allele CA975345.
Genomic context (GRCh38, chr1:103,031,198, plus strand): 5'-GCTTGAGCAGCCTTGGGTGCTGAAGAGTCACAGTCTGGACTATAATGCTCACAGTAGTCA[T>C]ATGCTGCCTTGGGATCACCTGTGATCAAAAACTGCTGAATGTCCCCCTGGGAAAAAAAAA-3'
Protein context (NP_001845.3, residues 223-243): FLITGDPKAA[Tyr233Cys]DYCEHYSPDC

ClinVar aggregate classification (germline): Conflicting classifications of pathogenicity. Review status: criteria provided, conflicting classifications (1 of 4 stars). 9 submissions from 8 submitters: Uncertain significance (7); Likely benign (1). 1 of the submissions does not count toward it. Last evaluated 2026-01-17.

Conditions:
COL11A1-related disorder. Also called: COL11A1-related condition; COL11A1-related disorders.
Connective tissue disorder. Also called: Connective tissue disease. Identifiers: MedGen C0009782, MONDO:0003900.
Meniere disease. Also called: Ménière's disease. Identifiers: MedGen C0025281, MONDO:0007972, OMIM 156000.
Fibrochondrogenesis 1 (FBCG1). Identifiers: Orphanet 2021, MedGen C3278138, MONDO:0009226, OMIM 228520.
Stickler syndrome type 2 (STL2). Also called: STICKLER SYNDROME, TYPE II; STICKLER SYNDROME, BEADED VITREOUS TYPE; STICKLER SYNDROME, VITREOUS TYPE 2; COL11A1-Related Stickler Syndrome. Identifiers: Orphanet 828, Orphanet 90654, MedGen C1858084, MONDO:0011493, OMIM 604841.

Allele frequency attached by ClinVar (database versions not stated): gnomAD 0.00003; ExAC 0.00008; ESP Exome Variant Server 0.00008; gnomAD exomes 0.00010; TOPMed 0.00012; 1000 Genomes Project 0.00060; 1000 Genomes Project 30x 0.00078.
gnomAD v4.1: 296 of 1,610,554 alleles (0.018%); highest among the groups gnomAD compares: Admixed American, 0.025%; no homozygotes.

Submissions (9):

Labcorp Genetics (formerly Invitae), Labcorp
Classification: Likely benign. Last evaluated: 2026-01-17. Review status: criteria provided, single submitter. Criteria: Invitae Variant Classification Sherloc (09022015). Collection method: clinical testing. Allele origin: germline.

PreventionGenetics, part of Exact Sciences
Classification: Uncertain significance for COL11A1-related condition. Last evaluated: 2025-07-11. Review status: criteria provided, single submitter. Criteria: ACMG Guidelines, 2015. Collection method: clinical testing. Allele origin: germline.
Comment: The COL11A1 c.698A>G variant is predicted to result in the amino acid substitution p.Tyr233Cys. To our knowledge, this variant has not been reported in the literature. This variant is reported in 0.013% of alleles in individuals of European (Non-Finnish) descent in gnomAD. Although we suspect that this variant may be benign, at this time, the clinical significance of this variant is uncertain due to the absence of conclusive functional and genetic evidence.

GeneDx
Classification: Uncertain significance. Last evaluated: 2024-12-13. Review status: criteria provided, single submitter. Criteria: GeneDx Variant Classification Process June 2021. Collection method: clinical testing. Allele origin: germline. Affected: yes.
Comment: Has not been previously reported in association with a connective tissue disorder to our knowledge; Not located in the triple helical region, where the majority of pathogenic missense variants occur (HGMD; PMID: 25240749); In silico analysis supports that this missense variant has a deleterious effect on protein structure/function; This variant is associated with the following publications: (PMID: 26901136, 25240749)

Blueprint Genetics
Classification: Uncertain significance. Last evaluated: 2024-10-11. Review status: criteria provided, single submitter. Criteria: ACMG Guidelines, 2015. Collection method: clinical testing. Allele origin: germline.

Women's Health and Genetics/Laboratory Corporation of America, LabCorp
Classification: Uncertain significance. Last evaluated: 2024-03-13. Review status: criteria provided, single submitter. Criteria: LabCorp Variant Classification Summary - May 2015. Collection method: clinical testing. Allele origin: germline.
Comment: Variant summary: COL11A1 c.698A>G (p.Tyr233Cys) results in a non-conservative amino acid change located in the Laminin G domain (IPR001791) of the encoded protein sequence. Four of five in-silico tools predict a damaging effect of the variant on protein function. The variant allele was found at a frequency of 0.0001 in 249448 control chromosomes. This frequency does not allow conclusion about variant significance. To our knowledge, no occurrence of c.698A>G in individuals affected with Stickler Syndrome and no experimental evidence demonstrating its impact on protein function have been reported. ClinVar contains an entry for this variant (Variation ID: 291544). Based on the evidence outlined above, the variant was classified as uncertain significance.

Genome Diagnostics Laboratory, The Hospital for Sick Children
Classification: Uncertain significance for Connective tissue disorder. Last evaluated: 2018-11-01. Review status: criteria provided, single submitter. Criteria: ACMG Guidelines, 2015. Collection method: clinical testing. Allele origin: germline.

Illumina Laboratory Services, Illumina
Classification: Uncertain significance for Stickler syndrome type 2. Last evaluated: 2018-01-12. Review status: criteria provided, single submitter. Criteria: ICSL Variant Classification Criteria 13 December 2019. Collection method: clinical testing. Allele origin: germline.

Illumina Laboratory Services, Illumina
Classification: Uncertain significance for Fibrochondrogenesis 1. Last evaluated: 2018-01-12. Review status: criteria provided, single submitter. Criteria: ICSL Variant Classification Criteria 13 December 2019. Collection method: clinical testing. Allele origin: germline.

Center for Computational Biology & Bioinformatics, University of California, San Diego
Classification: Uncertain significance for Meniere disease. Last evaluated: 2024-06-03. Review status: no assertion criteria provided. Collection method: research. Allele origin: germline. Affected: yes. Not counted in ClinVar's aggregate classification.